The following is an entry in ClinVar:

NM_205768.3(ZBTB18):c.1019_1020dup (p.Ala341fs)

Gene: ZBTB18 (zinc finger and BTB domain containing 18; plus strand). Cytogenetic location: 1q44.
Variant type: Duplication.
Coding change: c.1019_1020dup on transcript NM_205768.3 (MANE Select); coding-DNA positions 1019 to 1020, 2 bases duplicated (AA; older notation c.1019_1020dupAA).
Protein change: p.Ala341fs; shifts the reading frame from alanine 341.
Molecular consequence: frameshift variant. On other transcripts: 3 prime UTR variant (1).
Genome position (GRCh38, 1-based): chr1:244,054,793-244,054,794, AA duplicated; duplicating any 2 consecutive bases within chr1:244,054,792-244,054,794 gives the same sequence; the c. name uses the placement nearest the transcript's 3' end. VCF-style (leftmost placement, unchanged base first): chr1-244054791-C-CAA. GRCh37 (hg19) VCF-style: chr1-244218093-C-CAA.
Other names: c.992_993dup, p.Ala332fs (NM_006352.5, NM_001278196.2); c.*196_*197dup (NM_001421566.1); short protein forms A341fs, A332fs.
Identifiers: ClinVar variation 4765590 (VCV004765590.1).

ClinVar aggregate classification (germline): Pathogenic (1 of 4 stars; one submission).

Submission:

Labcorp Genetics (formerly Invitae), Labcorp
Classification: Pathogenic. Last evaluated: 2025-10-23. Review status: criteria provided, single submitter. Criteria: Invitae Variant Classification Sherloc (09022015). Collection method: clinical testing. Allele origin: germline.
Comment: This sequence change creates a premature translational stop signal (p.Ala341Lysfs*7) in the ZBTB18 gene. While this is not anticipated to result in nonsense mediated decay, it is expected to disrupt the last 191 amino acid(s) of the ZBTB18 protein. This variant is not present in population databases (gnomAD no frequency). This variant has not been reported in the literature in individuals affected with ZBTB18-related conditions. This variant disrupts a region of the ZBTB18 protein in which other variant(s) (p.His469Arg) have been determined to be pathogenic (internal data). This suggests that this is a clinically significant region of the protein, and that variants that disrupt it are likely to be disease-causing. For these reasons, this variant has been classified as Pathogenic.